The following is an entry in ClinVar:

NM_006466.4(POLR3F):c.574-10A>G

Gene: POLR3F (RNA polymerase III subunit F; plus strand). Cytogenetic location: 20p11.23.
Variant type: single nucleotide variant.
Coding change: c.574-10A>G on transcript NM_006466.4 (MANE Select); 10 bases into the intron before coding-DNA position 574, A replaced by G.
Molecular consequence: intron variant.
Genome position (GRCh38, 1-based): chr20:18,480,392, A>G. VCF-style: chr20-18480392-A-G. GRCh37 (hg19) VCF-style: chr20-18461036-A-G.
Other names: c.451-10A>G (NM_001282526.2); c.430-10A>G (NM_001410821.1).
Identifiers: ClinVar variation 2867477 (VCV002867477.3), dbSNP rs778546823, ClinGen allele CA9777555.

ClinVar aggregate classification (germline): Uncertain significance (1 of 4 stars; one submission).

Allele frequency attached by ClinVar (database versions not stated): gnomAD exomes below 0.00001; ExAC 0.00002.
gnomAD v4.1: 4 of 1,563,134 alleles (0.00026%); highest among the groups gnomAD compares: Admixed American, 0.005%; no homozygotes.

Submission:

Labcorp Genetics (formerly Invitae), Labcorp
Classification: Uncertain significance. Last evaluated: 2024-12-13. Review status: criteria provided, single submitter. Criteria: Invitae Variant Classification Sherloc (09022015). Collection method: clinical testing. Allele origin: germline.
Comment: This sequence change falls in intron 6 of the POLR3F gene. It does not directly change the encoded amino acid sequence of the POLR3F protein. This variant is present in population databases (rs778546823, gnomAD 0.006%). This variant has not been reported in the literature in individuals affected with POLR3F-related conditions. ClinVar contains an entry for this variant (Variation ID: 2867477). Algorithms developed to predict the effect of sequence changes on RNA splicing suggest that this variant may disrupt the consensus splice site. In summary, the available evidence is currently insufficient to determine the role of this variant in disease. Therefore, it has been classified as a Variant of Uncertain Significance.